The following is an entry in ClinVar:

NM_080476.5(PIGU):c.685T>C (p.Tyr229His)

Gene: PIGU (phosphatidylinositol glycan anchor biosynthesis class U; minus strand). Cytogenetic location: 20q11.22.
Variant type: single nucleotide variant.
Coding change: c.685T>C on transcript NM_080476.5 (MANE Select); coding-DNA position 685, T replaced by C.
Protein change: p.Tyr229His; replaces tyrosine 229 with histidine.
Molecular consequence: missense variant.
Genome position (GRCh38, 1-based): chr20:34,588,550, A>G on the plus strand (T>C on the coding strand, the complement: PIGU is on the minus strand). VCF-style: chr20-34588550-A-G. GRCh37 (hg19) VCF-style: chr20-33176354-A-G.
Other names: short protein forms Y229H.
Identifiers: ClinVar variation 2153462 (VCV002153462.1), dbSNP rs753063352, ClinGen allele CA9822592.

ClinVar aggregate classification (germline): Uncertain significance (1 of 4 stars; one submission).

Allele frequency attached by ClinVar (database versions not stated): gnomAD 0.00003; gnomAD exomes 0.00003; TOPMed 0.00003; ExAC 0.00007.
gnomAD v4.1: 55 of 1,613,702 alleles (0.0034%); highest among the groups gnomAD compares: Non-Finnish European, 0.0039%; no homozygotes.

Submission:

Labcorp Genetics (formerly Invitae), Labcorp
Classification: Uncertain significance. Last evaluated: 2022-08-23. Review status: criteria provided, single submitter. Criteria: Invitae Variant Classification Sherloc (09022015). Collection method: clinical testing. Allele origin: germline.
Comment: This sequence change replaces tyrosine, which is neutral and polar, with histidine, which is basic and polar, at codon 229 of the PIGU protein (p.Tyr229His). This variant is present in population databases (rs753063352, gnomAD 0.02%). This variant has not been reported in the literature in individuals affected with PIGU-related conditions. Algorithms developed to predict the effect of missense changes on protein structure and function are either unavailable or do not agree on the potential impact of this missense change (SIFT: "Tolerated"; PolyPhen-2: "Probably Damaging"; Align-GVGD: "Class C0"). In summary, the available evidence is currently insufficient to determine the role of this variant in disease. Therefore, it has been classified as a Variant of Uncertain Significance.